The following is an entry in ClinVar:

NM_003002.4(SDHD):c.369T>C (p.Ala123=)

Gene: SDHD (succinate dehydrogenase complex subunit D; plus strand). Cytogenetic location: 11q23.1.
Variant type: single nucleotide variant.
Coding change: c.369T>C on transcript NM_003002.4 (MANE Select); coding-DNA position 369, T replaced by C.
Protein change: p.Ala123=; no amino-acid change (alanine 123 retained).
Molecular consequence: synonymous variant. On other transcripts: missense variant (1), 3 prime UTR variant (1), non-coding transcript variant (1).
Genome position (GRCh38, 1-based): chr11:112,094,859, T>C. VCF-style: chr11-112094859-T-C. GRCh37 (hg19) VCF-style: chr11-111965583-T-C.
Other names: c.224T>C, p.Leu75Pro (NM_001276503.2); c.252T>C, p.Ala84= (NM_001276504.2); c.*67T>C (NM_001276506.2); short protein forms L75P.
Identifiers: ClinVar variation 754988 (VCV000754988.15), dbSNP rs747779190, ClinGen allele CA382619016.
Genomic context (GRCh38, chr11:112,094,859, plus strand): 5'-CTTTAGGGGCCTTGGACAAGTTGTTACTGACTATGTTCATGGGGATGCCTTGCAGAAAGC[T>C]GCCAAGGCAGGGCTTTTGGCACTTTCAGCTTTAACCTTTGCTGGGCTTTGCTATTTCAAC-3'
Protein context (NP_002993.1, residues 113-133): DYVHGDALQK[Ala123=]AKAGLLALSA

ClinVar aggregate classification (germline): Benign/Likely benign. Review status: criteria provided, multiple submitters, no conflicts (2 of 4 stars). 3 submissions from 3 submitters: Benign (1); Likely benign (2). Last evaluated 2025-03-18.

Conditions:
Carney-Stratakis syndrome. Also called: PARAGANGLIOMA AND GASTROINTESTINAL STROMAL TUMOR. Identifiers: Orphanet 97286, MedGen C1847319, MONDO:0011740, OMIM 606864.
Cowden syndrome 3 (CWS3). Identifiers: Orphanet 201, MedGen CN166604, MONDO:0014045.
Paragangliomas with sensorineural hearing loss. Identifiers: MedGen C1868633.
Pheochromocytoma. Also called: MAX-Related Hereditary Paraganglioma-Pheochromocytoma Syndrome. Identifiers: Orphanet 29072, MedGen C0031511, MONDO:0008233, OMIM 171300, HP:0002666.
Hereditary cancer-predisposing syndrome. Also called: Tumor predisposition; Hereditary Cancer Syndrome; Neoplastic Syndromes, Hereditary; Hereditary neoplastic syndrome. Identifiers: Orphanet 140162, MedGen C0027672, MeSH D009386, MONDO:0015356.
Pheochromocytoma/paraganglioma syndrome 1. Also called: SDHD-Related Hereditary Paraganglioma-Pheochromocytoma Syndrome; PARAGANGLIOMAS, FAMILIAL NONCHROMAFFIN, 1; PGL 1; Paragangliomas familial 1; Paragangliomas 1; Glomus tumors familial 1. Identifiers: Orphanet 29072, MedGen C3494181, MONDO:0008192, OMIM 168000.

Allele frequency attached by ClinVar (database versions not stated): gnomAD exomes below 0.00001.

Submissions (3):

Myriad Genetics, Inc.
Classification: Benign for Pheochromocytoma/paraganglioma syndrome 1. Last evaluated: 2025-03-18. Review status: criteria provided, single submitter. Criteria: Myriad Autosomal Dominant, Autosomal Recessive and X-Linked Classification Criteria (2023). Collection method: clinical testing. Allele origin: unknown.
Comment: This variant is considered benign. This variant is a silent/synonymous amino acid change and it is not expected to impact splicing.

Labcorp Genetics (formerly Invitae), Labcorp
Classification: Likely benign for Carney-Stratakis syndrome; Paragangliomas with sensorineural hearing loss; Pheochromocytoma; Cowden syndrome 3. Last evaluated: 2024-09-29. Review status: criteria provided, single submitter. Criteria: Invitae Variant Classification Sherloc (09022015). Collection method: clinical testing. Allele origin: germline.

Ambry Genetics
Classification: Likely benign for Hereditary cancer-predisposing syndrome. Last evaluated: 2022-04-24. Review status: criteria provided, single submitter. Criteria: Ambry Variant Classification Scheme 2023. Collection method: clinical testing. Allele origin: germline.